The following is an entry in ClinVar:

ClinVar aggregate classification (germline): Pathogenic. Review status: reviewed by expert panel (3 of 4 stars). 3 submissions from 3 submitters: Pathogenic (1). 2 of the submissions do not count toward it. Last evaluated 2023-03-16.

Conditions:
Phenylketonuria (PKU). Also called: OLIGOPHRENIA PHENYLPYRUVICA; Phenylketonurias; FOLLING DISEASE; Phenylketonuria (PKU). Identifiers: Orphanet 716, MedGen C0031485, MONDO:0009861, OMIM 261600. Disease mechanism: loss of function.

Submissions (3):

ClinGen PAH Variant Curation Expert Panel
Classification: Pathogenic for Phenylketonuria. Last evaluated: 2023-03-16. Review status: reviewed by expert panel. Criteria: ClinGen PAH ACMG Specifications v1. Collection method: curation. Allele origin: germline. Inheritance: Autosomal recessive inheritance.
Comment: The c.686dup (p.Asp229fs) variant in PAH is a frameshift variant predicted to cause termination at amino acid 283 resulting in nonsense mediated decay in a gene in which loss-of-function is an established disease mechanism. It has been detected as homozygous in a patient with classic PKU (PMID: 28915855). This variant is absent in population databases. In summary, this variant meets criteria to be classified as Pathogenic for PAH deficiency based on the ACMG/AMP criteria applied, as specified by the ClinGen PAH VCEP: PM2, PP4, PVS1

Myriad Genetics, Inc.
Classification: Pathogenic for Phenylketonuria. Last evaluated: 2025-02-13. Review status: criteria provided, single submitter. Criteria: Myriad Autosomal Dominant, Autosomal Recessive and X-Linked Classification Criteria (2023). Collection method: clinical testing. Allele origin: unknown. Not counted in ClinVar's aggregate classification.
Comment: NM_000277.1(PAH):c.686dupA(D229Efs*54) is a frameshift variant classified as pathogenic in the context of phenylalanine hydroxylase deficiency. D229Efs*54 has been observed in a case with relevant disease (PMID: 28915855). Relevant functional assessments of this variant are not available in the literature. D229Efs*54 has not been observed in referenced population frequency databases. In summary, NM_000277.1(PAH):c.686dupA(D229Efs*54) is a frameshift variant in a gene where loss of function is a known mechanism of disease, is predicted to disrupt protein function, and has been observed more frequently in cases with the relevant disease than in healthy populations. Please note: this variant was assessed in the context of healthy population screening.

Labcorp Genetics (formerly Invitae), Labcorp
Classification: Pathogenic for Phenylketonuria. Last evaluated: 2024-09-28. Review status: criteria provided, single submitter. Criteria: Invitae Variant Classification Sherloc (09022015). Collection method: clinical testing. Allele origin: germline. Not counted in ClinVar's aggregate classification.
Comment: This sequence change creates a premature translational stop signal (p.Asp229Glufs*54) in the PAH gene. It is expected to result in an absent or disrupted protein product. Loss-of-function variants in PAH are known to be pathogenic (PMID: 1301187, 9634518). This variant is not present in population databases (gnomAD no frequency). This premature translational stop signal has been observed in individual(s) with phenylketonuria (PMID: 28915855). ClinVar contains an entry for this variant (Variation ID: 576828). For these reasons, this variant has been classified as Pathogenic.

Literature cited by the submitters: PubMed 28915855 (cited by Myriad Genetics, Inc. and Labcorp Genetics (formerly Invitae), Labcorp); PubMed 1301187 (cited by Labcorp Genetics (formerly Invitae), Labcorp); PubMed 9634518 (cited by Labcorp Genetics (formerly Invitae), Labcorp).

NM_000277.3(PAH):c.686dup (p.Asp229fs)

Gene: PAH (phenylalanine hydroxylase; minus strand). Cytogenetic location: 12q23.2.
Variant type: Duplication.
Coding change: c.686dup on transcript NM_000277.3 (MANE Select); coding-DNA position 686, one base duplicated (A; older notation c.686dupA).
Protein change: p.Asp229fs; shifts the reading frame from aspartic acid 229.
Molecular consequence: frameshift variant.
Genome position (GRCh38, 1-based): chr12:102,855,156, T duplicated on the plus strand (A on the coding strand, the reverse complement: PAH is on the minus strand). VCF-style (leftmost placement, unchanged base first): chr12-102855155-G-GT. GRCh37 (hg19) VCF-style: chr12-103248933-G-GT.
Other names: NM_000277.3(PAH):c.686dup; p.Asp229fs; c.686dup, p.Asp229fs (NM_001354304.2); c.686dupA (NM_000277.1); short protein forms D229fs.
Identifiers: ClinVar variation 576828 (VCV000576828.11), dbSNP rs1565848110, ClinGen allele CA891843538.